The following is an entry in ClinVar:

ClinVar aggregate classification (germline): Uncertain significance (1 of 4 stars; one submission).

Allele frequency attached by ClinVar (database versions not stated): gnomAD exomes below 0.00001.
gnomAD v4.1: 1 of 1,614,080 alleles (0.000062%); highest among the groups gnomAD compares: Non-Finnish European, 0.000085%; no homozygotes.

Submission:

Labcorp Genetics (formerly Invitae), Labcorp
Classification: Uncertain significance. Last evaluated: 2025-04-08. Review status: criteria provided, single submitter. Criteria: Invitae Variant Classification Sherloc (09022015). Collection method: clinical testing. Allele origin: germline.
Comment: This sequence change replaces glutamine, which is neutral and polar, with lysine, which is basic and polar, at codon 461 of the SPART protein (p.Gln461Lys). This variant is not present in population databases (gnomAD no frequency). This variant has not been reported in the literature in individuals affected with SPART-related conditions. ClinVar contains an entry for this variant (Variation ID: 1493653). Invitae Evidence Modeling of protein sequence and biophysical properties (such as structural, functional, and spatial information, amino acid conservation, physicochemical variation, residue mobility, and thermodynamic stability) indicates that this missense variant is not expected to disrupt SPART protein function with a negative predictive value of 80%. In summary, the available evidence is currently insufficient to determine the role of this variant in disease. Therefore, it has been classified as a Variant of Uncertain Significance.

NM_015087.5(SPART):c.1381C>A (p.Gln461Lys)

Gene: SPART (spartin; minus strand). Cytogenetic location: 13q13.3.
Variant type: single nucleotide variant.
Coding change: c.1381C>A on transcript NM_015087.5 (MANE Select); coding-DNA position 1381, C replaced by A.
Protein change: p.Gln461Lys; replaces glutamine 461 with lysine.
Molecular consequence: missense variant.
Genome position (GRCh38, 1-based): chr13:36,314,329, G>T on the plus strand (C>A on the coding strand, the complement: SPART is on the minus strand). VCF-style: chr13-36314329-G-T. GRCh37 (hg19) VCF-style: chr13-36888466-G-T.
Other names: c.1381C>A, p.Gln461Lys (NM_001142294.2, NM_001142295.2, NM_001142296.2); short protein forms Q461K.
Identifiers: ClinVar variation 1493653 (VCV001493653.6), dbSNP rs2137334547, ClinGen allele CA387857543.